The following is an entry in ClinVar:

ClinVar aggregate classification (germline): Uncertain significance (1 of 4 stars; one submission).

Allele frequency attached by ClinVar (database versions not stated): gnomAD exomes below 0.00001; TOPMed below 0.00001; ExAC 0.00001.

Submission:

GeneDx
Classification: Uncertain significance. Last evaluated: 2022-09-07. Review status: criteria provided, single submitter. Criteria: GeneDx Variant Classification Process June 2021. Collection method: clinical testing. Allele origin: germline. Affected: yes.
Comment: Not observed at a significant frequency in large population cohorts (gnomAD); In silico analysis supports that this missense variant has a deleterious effect on protein structure/function; Has not been previously published as pathogenic or benign to our knowledge

NM_080680.3(COL11A2):c.1177C>T (p.Pro393Ser)

Gene: COL11A2 (collagen type XI alpha 2 chain; minus strand). Cytogenetic location: 6p21.32.
Variant type: single nucleotide variant.
Coding change: c.1177C>T on transcript NM_080680.3 (MANE Select); coding-DNA position 1177, C replaced by T.
Protein change: p.Pro393Ser; replaces proline 393 with serine.
Molecular consequence: missense variant.
Genome position (GRCh38, 1-based): chr6:33,181,113, G>A on the plus strand (C>T on the coding strand, the complement: COL11A2 is on the minus strand). VCF-style: chr6-33181113-G-A. GRCh37 (hg19) VCF-style: chr6-33148890-G-A.
Other names: c.856C>T, p.Pro286Ser (NM_080679.3); c.919C>T, p.Pro307Ser (NM_080681.3); short protein forms P286S, P307S, P393S.
Identifiers: ClinVar variation 1304482 (VCV001304482.3), dbSNP rs763252175, ClinGen allele CA3751449.